The following is an entry in ClinVar:

ClinVar aggregate classification (germline): Benign/Likely benign. Review status: criteria provided, multiple submitters, no conflicts (2 of 4 stars). 7 submissions from 7 submitters: Benign (2); Likely benign (4). 1 of the submissions does not count toward it. Last evaluated 2026-05-21.

Conditions:
NF1-related disorder. Also called: NF1-related condition. Identifiers: MedGen CN379171.
Hereditary cancer-predisposing syndrome. Also called: Neoplastic Syndromes, Hereditary; Hereditary Cancer Syndrome; Hereditary neoplastic syndrome; Tumor predisposition. Identifiers: Orphanet 140162, MedGen C0027672, MeSH D009386, MONDO:0015356.
Neurofibromatosis, type 1 (NF1). Also called: VON RECKLINGHAUSEN DISEASE; Peripheral type neurofibromatosis; NEUROFIBROMATOSIS, TYPE I, SOMATIC; Neurofibromatosis, type I. Identifiers: Orphanet 636, MedGen C0027831, MONDO:0018975, OMIM 162200. Disease mechanism: loss of function.

Allele frequency attached by ClinVar (database versions not stated): TOPMed 0.00008.
gnomAD v4.1: 20 of 1,613,804 alleles (0.0012%); highest among the groups gnomAD compares: African/African-American, 0.024%; no homozygotes.

Submissions (7):

Myriad Genetics, Inc.
Classification: Benign for Neurofibromatosis, type 1. Last evaluated: 2026-05-21. Review status: criteria provided, single submitter. Criteria: Myriad Autosomal Dominant, Autosomal Recessive and X-Linked Classification Criteria (2023). Collection method: clinical testing. Allele origin: unknown.
Comment: This variant is considered benign. This variant is intronic and is not expected to impact mRNA splicing. This variant has been observed at a population frequency that is significantly greater than expected given the associated disease prevalence and penetrance.

Labcorp Genetics (formerly Invitae), Labcorp
Classification: Likely benign for Neurofibromatosis, type 1. Last evaluated: 2026-01-19. Review status: criteria provided, single submitter. Criteria: Invitae Variant Classification Sherloc (09022015). Collection method: clinical testing. Allele origin: germline.

Women's Health and Genetics/Laboratory Corporation of America, LabCorp
Classification: Benign. Last evaluated: 2024-01-09. Review status: criteria provided, single submitter. Criteria: LabCorp Variant Classification Summary - May 2015. Collection method: clinical testing. Allele origin: germline.
Comment: Variant summary: NF1 c.6084+8C>T alters a nucleotide located close to a canonical splice site and therefore could affect mRNA splicing, leading to a significantly altered protein sequence. Consensus agreement among computation tools predict no significant impact on normal splicing. However, these predictions have yet to be confirmed by functional studies. The variant allele was found at a frequency of 1.2e-05 in 1613804 control chromosomes, predominantly at a frequency of 0.00024 within the African or African-American subpopulation in the gnomAD v4 database. The observed variant frequency within African or African-American control individuals in the gnomAD database is approximately 1.15 fold of the estimated maximal expected allele frequency for a pathogenic variant in NF1 causing Neurofibromatosis Type 1 phenotype (0.00021), strongly suggesting that the variant is a benign polymorphism found primarily in populations of African or African-American origin. To our knowledge, no occurrence of c.6084+8C>T in individuals affected with Neurofibromatosis Type 1 and no experimental evidence demonstrating its impact on protein function have been reported. ClinVar contains an entry for this variant (Variation ID: 457780). Based on the evidence outlined above, the variant was classified as benign.

Genome-Nilou Lab
Classification: Likely benign for Neurofibromatosis, type 1. Last evaluated: 2022-03-15. Review status: criteria provided, single submitter. Criteria: ACMG Guidelines, 2015. Collection method: clinical testing. Allele origin: germline. Affected: no.

Sema4
Classification: Likely benign for Hereditary cancer-predisposing syndrome. Last evaluated: 2021-07-23. Review status: criteria provided, single submitter. Criteria: Sema4 Curation Guidelines. Collection method: curation. Allele origin: germline.

Blueprint Genetics
Classification: Likely benign. Last evaluated: 2020-12-11. Review status: criteria provided, single submitter. Criteria: ACMG Guidelines, 2015. Collection method: clinical testing. Allele origin: germline.

PreventionGenetics, part of Exact Sciences
Classification: Likely benign for NF1-related condition. Last evaluated: 2022-03-25. Review status: no assertion criteria provided. Collection method: clinical testing. Allele origin: germline. Not counted in ClinVar's aggregate classification.
Comment: This variant is classified as likely benign based on ACMG/AMP sequence variant interpretation guidelines (Richards et al. 2015 PMID: 25741868, with internal and published modifications).

Literature cited by the submitters: PubMed 10678181 (cited by Women's Health and Genetics/Laboratory Corporation of America, LabCorp); PubMed 23460398 (cited by Women's Health and Genetics/Laboratory Corporation of America, LabCorp); PubMed 27069254 (cited by Women's Health and Genetics/Laboratory Corporation of America, LabCorp).

NM_001042492.3(NF1):c.6147+8C>T

Gene: NF1 (neurofibromin 1; plus strand). Cytogenetic location: 17q11.2.
Variant type: single nucleotide variant.
Coding change: c.6147+8C>T on transcript NM_001042492.3 (MANE Select); 8 bases into the intron after coding-DNA position 6147, C replaced by T.
Molecular consequence: intron variant.
Genome position (GRCh38, 1-based): chr17:31,336,481, C>T. VCF-style: chr17-31336481-C-T. GRCh37 (hg19) VCF-style: chr17-29663499-C-T.
Other names: c.6084+8C>T (NM_000267.4); c.6147+8C>T (NM_001042492.2).
Identifiers: ClinVar variation 457780 (VCV000457780.17), dbSNP rs182709912, ClinGen allele CA8487297.
Genomic context (GRCh38, chr17:31,336,481, plus strand): 5'-CAGATACTGCTGTAGCTTTGGCTTCTGGAAATGTGAAATTGGTTTCAAGCAAGGTAATCA[C>T]TTTTCTTTTGCCTTCTGTACTATAGCATATCTGTTTTATCATCAGGAGGTTTTTTGTTTT-3'